The following is an entry in ClinVar:

NM_006412.4(AGPAT2):c.702C>T (p.Ser234=)

Gene: AGPAT2 (1-acylglycerol-3-phosphate O-acyltransferase 2; minus strand). Cytogenetic location: 9q34.3.
Variant type: single nucleotide variant.
Coding change: c.702C>T on transcript NM_006412.4 (MANE Select); coding-DNA position 702, C replaced by T.
Protein change: p.Ser234=; no amino-acid change (serine 234 retained).
Molecular consequence: synonymous variant.
Genome position (GRCh38, 1-based): chr9:136,673,887, G>A on the plus strand (C>T on the coding strand, the complement: AGPAT2 is on the minus strand). VCF-style: chr9-136673887-G-A. GRCh37 (hg19) VCF-style: chr9-139568339-G-A.
Other names: p.Ser234=; c.606C>T, p.Ser202= (NM_001012727.2).
Identifiers: ClinVar variation 128290 (VCV000128290.16), dbSNP rs116951119, ClinGen allele CA151608.

ClinVar aggregate classification (germline): Benign. Review status: criteria provided, multiple submitters, no conflicts (2 of 4 stars). 6 submissions from 6 submitters: Benign (5). 1 of the submissions does not count toward it. Last evaluated 2026-02-04.

Conditions:
Congenital generalized lipodystrophy type 1 (CGL1). Also called: BRUNZELL SYNDROME, AGPAT2-RELATED; Berardinelli-Seip Congenital Lipodystrophy Type 1. Identifiers: Orphanet 528, Orphanet 696189, MedGen C1720862, MONDO:0012071, OMIM 608594.

Allele frequency attached by ClinVar (database versions not stated): 1000 Genomes Project 30x 0.00562; 1000 Genomes Project 0.00599; TOPMed 0.01007; gnomAD exomes 0.01054 and 0.01587; gnomAD 0.01089 and 0.01094; ESP Exome Variant Server 0.01201; ExAC 0.01618.
gnomAD v4.1: 24,437 of 1,599,782 alleles (1.5%); highest among the groups gnomAD compares: Non-Finnish European, 1.9%; 240 homozygotes.

Submissions (6):

Labcorp Genetics (formerly Invitae), Labcorp
Classification: Benign. Last evaluated: 2026-02-04. Review status: criteria provided, single submitter. Criteria: Invitae Variant Classification Sherloc (09022015). Collection method: clinical testing. Allele origin: germline.

Mayo Clinic Laboratories, Mayo Clinic
Classification: Benign. Last evaluated: 2025-09-16. Review status: criteria provided, single submitter. Criteria: ACMG Guidelines, 2015. Collection method: clinical testing. Allele origin: germline. Observed: 7 variant alleles.
Comment: BS1, BS2, BP7

Illumina Laboratory Services, Illumina
Classification: Benign for Congenital generalized lipodystrophy type 1. Last evaluated: 2017-04-27. Review status: criteria provided, single submitter. Criteria: ICSL Variant Classification Criteria 13 December 2019. Collection method: clinical testing. Allele origin: germline.
Comment: This variant was observed as part of a predisposition screen in an ostensibly healthy population. A literature search was performed for the gene, cDNA change, and amino acid change (where applicable). No publications were found based on this search. Allele frequency data from public databases was too high to be consistent with this variant causing disease. Therefore, this variant is classified as benign.

Breakthrough Genomics
Classification: Benign. Review status: criteria provided, single submitter. Criteria: ACMG Guidelines, 2015. Collection method: not provided. Allele origin: germline. Inheritance: Autosomal recessive inheritance. Affected: yes.

PreventionGenetics, part of Exact Sciences
Classification: Benign. Review status: criteria provided, single submitter. Criteria: ACMG Guidelines, 2015. Collection method: clinical testing. Allele origin: germline.

Genetic Services Laboratory, University of Chicago
Classification: Likely benign for AllHighlyPenetrant. Review status: no assertion criteria provided. Collection method: clinical testing. Allele origin: germline. Inheritance: Autosomal recessive inheritance. Not counted in ClinVar's aggregate classification.
Comment: Likely benign based on allele frequency in 1000 Genomes Project or ESP global frequency and its presence in a patient with a rare or unrelated disease phenotype. NOT Sanger confirmed.